The following is an entry in ClinVar:

ClinVar aggregate classification (germline): Uncertain significance (1 of 4 stars; one submission).

Conditions:
Ehlers-Danlos syndrome, classic type, 1 (EDSCL1). Also called: EHLERS-DANLOS SYNDROME, GRAVIS TYPE; EHLERS-DANLOS SYNDROME, SEVERE CLASSIC TYPE; EDS I; Ehlers-Danlos Syndrome, Classic Type, COL5A1-Related; Ehlers-Danlos syndrome, type 1. Identifiers: MedGen C0268335, MONDO:0019567, OMIM 130000.

Allele frequency attached by ClinVar (database versions not stated): gnomAD 0.00001; gnomAD exomes below 0.00001.
gnomAD v4.1: 5 of 1,613,970 alleles (0.00031%); highest among the groups gnomAD compares: Non-Finnish European, 0.00042%; no homozygotes.

Submission:

Labcorp Genetics (formerly Invitae), Labcorp
Classification: Uncertain significance for Ehlers-Danlos syndrome, classic type, 1. Last evaluated: 2022-07-19. Review status: criteria provided, single submitter. Criteria: Invitae Variant Classification Sherloc (09022015). Collection method: clinical testing. Allele origin: germline.
Comment: This variant has not been reported in the literature in individuals affected with COL5A2-related conditions. This variant is not present in population databases (gnomAD no frequency). This sequence change replaces aspartic acid, which is acidic and polar, with asparagine, which is neutral and polar, at codon 1297 of the COL5A2 protein (p.Asp1297Asn). ClinVar contains an entry for this variant (Variation ID: 459750). In summary, the available evidence is currently insufficient to determine the role of this variant in disease. Therefore, it has been classified as a Variant of Uncertain Significance. Advanced modeling of protein sequence and biophysical properties (such as structural, functional, and spatial information, amino acid conservation, physicochemical variation, residue mobility, and thermodynamic stability) performed at Invitae indicates that this missense variant is not expected to disrupt COL5A2 protein function.

NM_000393.5(COL5A2):c.3889G>A (p.Asp1297Asn)

Gene: COL5A2 (collagen type V alpha 2 chain; minus strand). Cytogenetic location: 2q32.2.
Variant type: single nucleotide variant.
Coding change: c.3889G>A on transcript NM_000393.5 (MANE Select); coding-DNA position 3889, G replaced by A.
Protein change: p.Asp1297Asn; replaces aspartic acid 1297 with asparagine.
Molecular consequence: missense variant.
Genome position (GRCh38, 1-based): chr2:189,039,308, C>T on the plus strand (G>A on the coding strand, the complement: COL5A2 is on the minus strand). VCF-style: chr2-189039308-C-T. GRCh37 (hg19) VCF-style: chr2-189904034-C-T.
Other names: short protein forms D1297N.
Identifiers: ClinVar variation 459750 (VCV000459750.10), dbSNP rs1553512886, ClinGen allele CA349857456.
Genomic context (GRCh38, chr2:189,039,308, plus strand): 5'-TCAAATGGGCTGCTGTCTACTCACCACTCTGCTTTGCGGAATGGCAAAGCTTTAGGTCAT[C>T]ACACGTGCGGGCTGGGTGCTTTTTCGAGCCATCGGGGCTGCGCATGGTTTCAATCTGACT-3'
Protein context (NP_000384.2, residues 1287-1307): GSKKHPARTC[Asp1297Asn]DLKLCHSAKQ